The following is an entry in ClinVar:

NM_007294.4(BRCA1):c.3424G>A (p.Ala1142Thr)

Genes: BRCA1 (BRCA1 DNA repair associated; minus strand), LOC126862571 (BRD4-independent group 4 enhancer GRCh37_chr17:41243136-41244335; plus strand). Cytogenetic location: 17q21.31.
Variant type: single nucleotide variant.
Coding change: c.3424G>A on transcript NM_007294.4 (MANE Select); coding-DNA position 3424, G replaced by A.
Protein change: p.Ala1142Thr; replaces alanine 1142 with threonine.
Molecular consequence: missense variant. On other transcripts: intron variant (135).
Genome position (GRCh38, 1-based): chr17:43,092,107, C>T on the plus strand (G>A on the coding strand, the complement: BRCA1 is on the minus strand). VCF-style: chr17-43092107-C-T. GRCh37 (hg19) VCF-style: chr17-41244124-C-T.
Other names: c.3421G>A, p.Ala1141Thr (NM_001407636.1, NM_001407637.1, NM_001407638.1 and 22 more transcripts); c.3424G>A, p.Ala1142Thr (NM_001407639.1, NM_001407640.1, NM_001407642.1 and 30 more transcripts); c.3211G>A, p.Ala1071Thr (NM_001407571.1, NM_001407853.1, NM_001407894.1 and 9 more transcripts); c.3415G>A, p.Ala1139Thr (NM_001407646.1, NM_001407647.1); c.3301G>A, p.Ala1101Thr (NM_001407648.1, NM_001407664.1, NM_001407665.1 and 19 more transcripts); c.3298G>A, p.Ala1100Thr (NM_001407649.1, NM_001407670.1, NM_001407671.1 and 11 more transcripts); c.3346G>A, p.Ala1116Thr (NM_001407653.1, NM_001407654.1, NM_001407655.1 and 4 more transcripts); c.3343G>A, p.Ala1115Thr (NM_001407659.1, NM_001407660.1, NM_001407661.1 and 1 more transcripts); and 41 more; short protein forms A1015T, A1031T, A1074T, A1141T, A1142T, A1014T, A1030T, A1054T.
Identifiers: ClinVar variation 2839250 (VCV002839250.4), dbSNP rs80357101, ClinGen allele CA10595131.

ClinVar aggregate classification (germline): Uncertain significance. Review status: criteria provided, multiple submitters, no conflicts (2 of 4 stars). 2 submissions from 2 submitters: Uncertain significance (2). Last evaluated 2024-09-18.

Conditions:
Hereditary breast ovarian cancer syndrome. Also called: Hereditary breast and ovarian cancer syndrome (HBOC); Breast and ovarian cancer; BRCA1- and BRCA2-Associated Hereditary Breast and Ovarian Cancer; Hereditary breast and ovarian cancer syndrome; Hereditary breast and ovarian cancer; Hereditary breast and/or ovarian cancer syndrome. Identifiers: Orphanet 145, MedGen C0677776, MeSH D061325, MONDO:0003582. Disease mechanism: loss of function.
Hereditary cancer-predisposing syndrome. Also called: Tumor predisposition; Neoplastic Syndromes, Hereditary; Hereditary Cancer Syndrome; Hereditary neoplastic syndrome. Identifiers: Orphanet 140162, MedGen C0027672, MeSH D009386, MONDO:0015356.

Submissions (2):

Ambry Genetics
Classification: Uncertain significance for Hereditary cancer-predisposing syndrome. Last evaluated: 2024-09-18. Review status: criteria provided, single submitter. Criteria: Ambry Variant Classification Scheme 2023. Collection method: clinical testing. Allele origin: germline.
Comment: The p.A1142T variant (also known as c.3424G>A), located in coding exon 9 of the BRCA1 gene, results from a G to A substitution at nucleotide position 3424. The alanine at codon 1142 is replaced by threonine, an amino acid with similar properties. This amino acid position is conserved. In addition, this alteration is predicted to be tolerated by in silico analysis. Based on the available evidence, the clinical significance of this variant remains unclear.

Labcorp Genetics (formerly Invitae), Labcorp
Classification: Uncertain significance for Hereditary breast ovarian cancer syndrome. Last evaluated: 2024-08-08. Review status: criteria provided, single submitter. Criteria: Invitae Variant Classification Sherloc (09022015). Collection method: clinical testing. Allele origin: germline.
Comment: This sequence change replaces alanine, which is neutral and non-polar, with threonine, which is neutral and polar, at codon 1142 of the BRCA1 protein (p.Ala1142Thr). This variant is not present in population databases (gnomAD no frequency). This variant has not been reported in the literature in individuals affected with BRCA1-related conditions. Advanced modeling of protein sequence and biophysical properties (such as structural, functional, and spatial information, amino acid conservation, physicochemical variation, residue mobility, and thermodynamic stability) performed at Invitae indicates that this missense variant is not expected to disrupt BRCA1 protein function with a negative predictive value of 95%. In summary, the available evidence is currently insufficient to determine the role of this variant in disease. Therefore, it has been classified as a Variant of Uncertain Significance.